The following is an entry in ClinVar:

NM_000465.4(BARD1):c.656A>G (p.Asn219Ser)

Gene: BARD1 (BRCA1 associated RING domain 1; minus strand). Cytogenetic location: 2q35.
Variant type: single nucleotide variant.
Coding change: c.656A>G on transcript NM_000465.4 (MANE Select); coding-DNA position 656, A replaced by G.
Protein change: p.Asn219Ser; replaces asparagine 219 with serine.
Molecular consequence: missense variant. On other transcripts: non-coding transcript variant (2), intron variant (3).
Genome position (GRCh38, 1-based): chr2:214,781,218, T>C on the plus strand (A>G on the coding strand, the complement: BARD1 is on the minus strand). VCF-style: chr2-214781218-T-C. GRCh37 (hg19) VCF-style: chr2-215645942-T-C.
Other names: c.599A>G, p.Asn200Ser (NM_001282543.2); c.158+28194A>G (NM_001282548.2); c.215+15843A>G (NM_001282545.2); c.364+11079A>G (NM_001282549.2); c.656A>G (NM_000465.3); short protein forms N219S, N200S.
Identifiers: ClinVar variation 233835 (VCV000233835.9), dbSNP rs876660672, ClinGen allele CA10577840.

ClinVar aggregate classification (germline): Conflicting classifications of pathogenicity. Review status: criteria provided, conflicting classifications (1 of 4 stars). 3 submissions from 3 submitters: Uncertain significance (2); Likely benign (1). Last evaluated 2025-06-02.

Conditions:
Hereditary cancer-predisposing syndrome. Also called: Neoplastic Syndromes, Hereditary; Tumor predisposition; Hereditary Cancer Syndrome; Hereditary neoplastic syndrome. Identifiers: Orphanet 140162, MedGen C0027672, MeSH D009386, MONDO:0015356.

Allele frequency attached by ClinVar (database versions not stated): gnomAD exomes 0.00001.
gnomAD v4.1: 3 of 1,594,436 alleles (0.00019%); highest among the groups gnomAD compares: South Asian, 0.0035%; no homozygotes.

Submissions (3):

Ambry Genetics
Classification: Likely benign for Hereditary cancer-predisposing syndrome. Last evaluated: 2025-06-02. Review status: criteria provided, single submitter. Criteria: Ambry Variant Classification Scheme 2023. Collection method: clinical testing. Allele origin: germline.

Quest Diagnostics Nichols Institute San Juan Capistrano
Classification: Uncertain significance. Last evaluated: 2022-11-18. Review status: criteria provided, single submitter. Criteria: Quest Diagnostics criteria. Collection method: clinical testing. Allele origin: unknown.
Comment: The variant has not been reported in the published literature. It also has not been reported in large, multi-ethnic general populations. Analysis of this variant using bioinformatics tools for the prediction of the effect of amino acid changes on protein structure and function yielded predictions that this variant is benign. Based on the available information, we are unable to determine the clinical significance of this variant.

Color Diagnostics, LLC DBA Color Health
Classification: Uncertain significance for Hereditary cancer-predisposing syndrome. Last evaluated: 2020-08-04. Review status: criteria provided, single submitter. Criteria: ACMG Guidelines, 2015. Collection method: clinical testing. Allele origin: germline.
Comment: This missense variant replaces asparagine with serine at codon 219 of the BARD1 protein. Computational prediction suggests that this variant may not impact protein structure and function (internally defined REVEL score threshold <= 0.5, PMID: 27666373). To our knowledge, functional studies have not been reported for this variant. This variant has not been reported in individuals affected with hereditary cancer in the literature. This variant has not been identified in the general population by the Genome Aggregation Database (gnomAD). The available evidence is insufficient to determine the role of this variant in disease conclusively. Therefore, this variant is classified as a Variant of Uncertain Significance.